The following is an entry in ClinVar:

ClinVar aggregate classification (germline): Uncertain significance (1 of 4 stars; one submission).

Submission:

Ambry Genetics
Classification: Uncertain significance. Last evaluated: 2025-05-02. Review status: criteria provided, single submitter. Criteria: Ambry Variant Classification Scheme 2023. Collection method: clinical testing. Allele origin: germline.
Comment: The p.K1217Q variant (also known as c.3649A>C), located in coding exon 15 of the WNK2 gene, results from an A to C substitution at nucleotide position 3649. The lysine at codon 1217 is replaced by glutamine, an amino acid with similar properties. This amino acid position is conserved. In addition, the in silico prediction for this alteration is inconclusive. Based on the available evidence, the clinical significance of this variant remains unclear.

NM_006648.4(WNK2):c.3649A>C (p.Lys1217Gln)

Gene: WNK2 (WNK lysine deficient protein kinase 2; plus strand). Cytogenetic location: 9q22.31.
Variant type: single nucleotide variant.
Coding change: c.3649A>C on transcript NM_006648.4 (MANE Select); coding-DNA position 3649, A replaced by C.
Protein change: p.Lys1217Gln; replaces lysine 1217 with glutamine.
Molecular consequence: missense variant.
Genome position (GRCh38, 1-based): chr9:93,263,986, A>C. VCF-style: chr9-93263986-A-C. GRCh37 (hg19) VCF-style: chr9-96026268-A-C.
Other names: c.3649A>C, p.Lys1217Gln (NM_001282394.3); short protein forms K1217Q.
Identifiers: ClinVar variation 3981975 (VCV003981975.1).